The following is an entry in ClinVar:

ClinVar aggregate classification (germline): Likely benign (1 of 4 stars; one submission).

Allele frequency attached by ClinVar (database versions not stated): gnomAD exomes 0.00001; gnomAD 0.00005; TOPMed 0.00005.
gnomAD v4.1: 28 of 1,613,638 alleles (0.0017%); highest among the groups gnomAD compares: Non-Finnish European, 0.0021%; no homozygotes.

Submission:

CeGaT Center for Human Genetics Tuebingen
Classification: Likely benign. Last evaluated: 2023-08-01. Review status: criteria provided, single submitter. Criteria: CeGaT Center For Human Genetics Tuebingen Variant Classification Criteria Version 2. Collection method: clinical testing. Allele origin: germline. Affected: yes. Observed: 1 variant allele.
Comment: FAT1: BP4

NM_005245.4(FAT1):c.4675G>A (p.Ala1559Thr)

Gene: FAT1 (FAT atypical cadherin 1; minus strand). Cytogenetic location: 4q35.2.
Variant type: single nucleotide variant.
Coding change: c.4675G>A on transcript NM_005245.4 (MANE Select); coding-DNA position 4675, G replaced by A.
Protein change: p.Ala1559Thr; replaces alanine 1559 with threonine.
Molecular consequence: missense variant.
Genome position (GRCh38, 1-based): chr4:186,628,289, C>T on the plus strand (G>A on the coding strand, the complement: FAT1 is on the minus strand). VCF-style: chr4-186628289-C-T. GRCh37 (hg19) VCF-style: chr4-187549443-C-T.
Other names: short protein forms A1559T.
Identifiers: ClinVar variation 2655230 (VCV002655230.24), dbSNP rs1193669577, ClinGen allele CA358979360.